The following is an entry in ClinVar:

ClinVar aggregate classification (germline): Uncertain significance (1 of 4 stars; one submission).

Conditions:
Hereditary cancer-predisposing syndrome. Also called: Tumor predisposition; Hereditary neoplastic syndrome; Neoplastic Syndromes, Hereditary; Hereditary Cancer Syndrome. Identifiers: Orphanet 140162, MedGen C0027672, MeSH D009386, MONDO:0015356.

Submission:

Ambry Genetics
Classification: Uncertain significance for Hereditary cancer-predisposing syndrome. Last evaluated: 2025-05-14. Review status: criteria provided, single submitter. Criteria: Ambry Variant Classification Scheme 2023. Collection method: clinical testing. Allele origin: germline.
Comment: The p.E881D variant (also known as c.2643A>T), located in coding exon 10 of the BRCA2 gene, results from an A to T substitution at nucleotide position 2643. The glutamic acid at codon 881 is replaced by aspartic acid, an amino acid with highly similar properties. This amino acid position is well conserved in available vertebrate species. In addition, the in silico prediction for this alteration is inconclusive. Based on the available evidence, the clinical significance of this variant remains unclear.

NM_000059.4(BRCA2):c.2643A>T (p.Glu881Asp)

Gene: BRCA2 (BRCA2 DNA repair associated; plus strand). Cytogenetic location: 13q13.1.
Variant type: single nucleotide variant.
Coding change: c.2643A>T on transcript NM_000059.4 (MANE Select); coding-DNA position 2643, A replaced by T.
Protein change: p.Glu881Asp; replaces glutamic acid 881 with aspartic acid.
Molecular consequence: missense variant. On other transcripts: non-coding transcript variant (1), intron variant (2).
Genome position (GRCh38, 1-based): chr13:32,336,998, A>T. VCF-style: chr13-32336998-A-T. GRCh37 (hg19) VCF-style: chr13-32911135-A-T.
Other names: c.2643A>T, p.Glu881Asp (NM_001406719.1, NM_001406720.1, NM_001432077.1); c.1909+3611A>T (NM_001406721.1); c.424+5968A>T (NM_001406722.1); short protein forms E881D.
Identifiers: ClinVar variation 3992826 (VCV003992826.1).